The following is an entry in ClinVar:

NM_006440.5(TXNRD2):c.5C>T (p.Ala2Val)

Genes: COMT (catechol-O-methyltransferase; plus strand), TXNRD2 (thioredoxin reductase 2; minus strand). Cytogenetic location: 22q11.21.
Variant type: single nucleotide variant.
Coding change: c.5C>T on transcript NM_006440.5 (MANE Select); coding-DNA position 5, C replaced by T.
Protein change: p.Ala2Val; replaces alanine 2 with valine.
Molecular consequence: missense variant. On other transcripts: non-coding transcript variant (1), 5 prime UTR variant (2).
Genome position (GRCh38, 1-based): chr22:19,941,799, G>A on the plus strand (C>T on the coding strand, the complement: TXNRD2 is on the minus strand). VCF-style: chr22-19941799-G-A. GRCh37 (hg19) VCF-style: chr22-19929322-G-A.
Other names: c.5C>T, p.Ala2Val (NM_001282512.3, NM_001352300.2); c.-190G>A (NM_000754.4); c.-484G>A (NM_001362828.2); short protein forms A2V.
Identifiers: ClinVar variation 3225595 (VCV003225595.1), dbSNP rs2517445068, ClinGen allele CA410700176.
Genomic context (GRCh38, chr22:19,941,799, plus strand): 5'-ACGGCCTGCGTCCGCCACCGGAAGCGCCCTCCTAATCCCCGCAGCGCCACCGCCATTGCC[G>A]CCATCGTCGTGGGGCTTCTGGGGCAGCTAGGGCTGCCCGCCGCGCTGCCTGCGCCGGACC-3'
Protein context (NP_006431.2, residues 1-12): M[Ala2Val]AMAVALRGLG

ClinVar aggregate classification (germline): Uncertain significance (1 of 4 stars; one submission).

Conditions:
Cardiovascular phenotype. Identifiers: MedGen CN230736.

Allele frequency attached by ClinVar (database versions not stated): gnomAD exomes below 0.00001.
gnomAD v4.1: 3 of 1,534,672 alleles (0.0002%); highest among the groups gnomAD compares: Non-Finnish European, 0.00017%; no homozygotes.

Submission:

Ambry Genetics
Classification: Uncertain significance for Cardiovascular phenotype. Last evaluated: 2024-01-16. Review status: criteria provided, single submitter. Criteria: Ambry Variant Classification Scheme 2023. Collection method: clinical testing. Allele origin: germline.
Comment: The p.A2V variant (also known as c.5C>T), located in coding exon 1 of the TXNRD2 gene, results from a C to T substitution at nucleotide position 5. The alanine at codon 2 is replaced by valine, an amino acid with similar properties. This amino acid position is conserved on limited sequence alignment. In addition, this alteration is predicted to be tolerated by in silico analysis. The evidence for this gene-disease relationship is limited; therefore, the clinical significance of this alteration is unclear.